The following is an entry in ClinVar:

ClinVar aggregate classification (germline): Uncertain significance (1 of 4 stars; one submission).

Conditions:
Inborn genetic diseases. Identifiers: MedGen C0950123, MeSH D030342.

Submission:

Ambry Genetics
Classification: Uncertain significance for Inborn genetic diseases. Last evaluated: 2023-02-05. Review status: criteria provided, single submitter. Criteria: Ambry Variant Classification Scheme 2023. Collection method: clinical testing. Allele origin: germline.
Comment: The p.Y766C variant (also known as c.2297A>G), located in coding exon 18 of the BUB1B gene, results from an A to G substitution at nucleotide position 2297. The tyrosine at codon 766 is replaced by cysteine, an amino acid with highly dissimilar properties. This amino acid position is conserved. In addition, the in silico prediction for this alteration is inconclusive. Since supporting evidence is limited at this time, the clinical significance of this alteration remains unclear.

NM_001211.6(BUB1B):c.2297A>G (p.Tyr766Cys)

Gene: BUB1B (BUB1 mitotic checkpoint serine/threonine kinase B; plus strand). Cytogenetic location: 15q15.1.
Variant type: single nucleotide variant.
Coding change: c.2297A>G on transcript NM_001211.6 (MANE Select); coding-DNA position 2297, A replaced by G.
Protein change: p.Tyr766Cys; replaces tyrosine 766 with cysteine.
Molecular consequence: missense variant.
Genome position (GRCh38, 1-based): chr15:40,210,122, A>G. VCF-style: chr15-40210122-A-G. GRCh37 (hg19) VCF-style: chr15-40502323-A-G.
Other names: short protein forms Y766C.
Identifiers: ClinVar variation 2497654 (VCV002497654.2), dbSNP rs2542572689, ClinGen allele CA391694809.